The following is an entry in ClinVar:

NM_004656.4(BAP1):c.191C>T (p.Thr64Ile)

Gene: BAP1 (BRCA1 associated deubiquitinase 1; minus strand). Cytogenetic location: 3p21.1.
Variant type: single nucleotide variant.
Coding change: c.191C>T on transcript NM_004656.4 (MANE Select); coding-DNA position 191, C replaced by T.
Protein change: p.Thr64Ile; replaces threonine 64 with isoleucine.
Molecular consequence: missense variant.
Genome position (GRCh38, 1-based): chr3:52,408,538, G>A on the plus strand (C>T on the coding strand, the complement: BAP1 is on the minus strand). VCF-style: chr3-52408538-G-A. GRCh37 (hg19) VCF-style: chr3-52442554-G-A.
Other names: c.191C>T, p.Thr64Ile (NM_001410772.1); short protein forms T64I.
Identifiers: ClinVar variation 3476848 (VCV003476848.2).

ClinVar aggregate classification (germline): Uncertain significance. Review status: criteria provided, multiple submitters, no conflicts (2 of 4 stars). 2 submissions from 2 submitters: Uncertain significance (2). Last evaluated 2025-06-10.

Conditions:
Hereditary cancer-predisposing syndrome. Also called: Tumor predisposition; Neoplastic Syndromes, Hereditary; Hereditary neoplastic syndrome; Hereditary Cancer Syndrome. Identifiers: Orphanet 140162, MedGen C0027672, MeSH D009386, MONDO:0015356.
BAP1-related tumor predisposition syndrome (TPDS1). Also called: COMMON Syndrome; TUMOR PREDISPOSITION SYNDROME 1; BAP1 tumor predisposition syndrome; Tumor susceptibility linked to germline BAP1 mutations. Identifiers: Orphanet 289539, MedGen C3280492, MONDO:0013692, OMIM 614327.

Submissions (2):

Labcorp Genetics (formerly Invitae), Labcorp
Classification: Uncertain significance for BAP1-related tumor predisposition syndrome. Last evaluated: 2025-06-10. Review status: criteria provided, single submitter. Criteria: Invitae Variant Classification Sherloc (09022015). Collection method: clinical testing. Allele origin: germline.
Comment: This sequence change replaces threonine, which is neutral and polar, with isoleucine, which is neutral and non-polar, at codon 64 of the BAP1 protein (p.Thr64Ile). This variant is not present in population databases (gnomAD no frequency). This variant has not been reported in the literature in individuals affected with BAP1-related conditions. ClinVar contains an entry for this variant (Variation ID: 3476848). Invitae Evidence Modeling of protein sequence and biophysical properties (such as structural, functional, and spatial information, amino acid conservation, physicochemical variation, residue mobility, and thermodynamic stability) indicates that this missense variant is not expected to disrupt BAP1 protein function with a negative predictive value of 80%. In summary, the available evidence is currently insufficient to determine the role of this variant in disease. Therefore, it has been classified as a Variant of Uncertain Significance.

Ambry Genetics
Classification: Uncertain significance for Hereditary cancer-predisposing syndrome. Last evaluated: 2024-08-16. Review status: criteria provided, single submitter. Criteria: Ambry Variant Classification Scheme 2023. Collection method: clinical testing. Allele origin: germline.
Comment: The p.T64I variant (also known as c.191C>T), located in coding exon 4 of the BAP1 gene, results from a C to T substitution at nucleotide position 191. The threonine at codon 64 is replaced by isoleucine, an amino acid with similar properties. This amino acid position is conserved. In addition, this alteration is predicted to be tolerated by in silico analysis. Based on the available evidence, the clinical significance of this variant remains unclear.